The following is an entry in ClinVar:

ClinVar aggregate classification (germline): Uncertain significance (1 of 4 stars; one submission).

Conditions:
Hereditary cancer-predisposing syndrome. Also called: Tumor predisposition; Hereditary neoplastic syndrome; Neoplastic Syndromes, Hereditary; Hereditary Cancer Syndrome. Identifiers: Orphanet 140162, MedGen C0027672, MeSH D009386, MONDO:0015356.

Submission:

Labcorp Genetics (formerly Invitae), Labcorp
Classification: Uncertain significance for Hereditary cancer-predisposing syndrome. Last evaluated: 2021-12-07. Review status: criteria provided, single submitter. Criteria: Invitae Variant Classification Sherloc (09022015). Collection method: clinical testing. Allele origin: germline.
Comment: In summary, the available evidence is currently insufficient to determine the role of this variant in disease. Therefore, it has been classified as a Variant of Uncertain Significance. Algorithms developed to predict the effect of missense changes on protein structure and function (SIFT, PolyPhen-2, Align-GVGD) all suggest that this variant is likely to be tolerated. This variant has not been reported in the literature in individuals affected with RAD50-related conditions. This variant is not present in population databases (gnomAD no frequency). This sequence change replaces phenylalanine, which is neutral and non-polar, with leucine, which is neutral and non-polar, at codon 1088 of the RAD50 protein (p.Phe1088Leu).

NM_005732.4(RAD50):c.3262T>C (p.Phe1088Leu)

Gene: RAD50 (RAD50 double strand break repair protein; plus strand). Cytogenetic location: 5q31.1.
Variant type: single nucleotide variant.
Coding change: c.3262T>C on transcript NM_005732.4 (MANE Select); coding-DNA position 3262, T replaced by C.
Protein change: p.Phe1088Leu; replaces phenylalanine 1088 with leucine.
Molecular consequence: missense variant.
Genome position (GRCh38, 1-based): chr5:132,618,167, T>C. VCF-style: chr5-132618167-T-C. GRCh37 (hg19) VCF-style: chr5-131953859-T-C.
Other names: short protein forms F1088L.
Identifiers: ClinVar variation 1429025 (VCV001429025.6), dbSNP rs2149853879, ClinGen allele CA360964573.